The following is an entry in ClinVar:

ClinVar aggregate classification (germline): Uncertain significance (1 of 4 stars; one submission).

Allele frequency attached by ClinVar (database versions not stated): TOPMed below 0.00001.

Submission:

GeneDx
Classification: Uncertain significance. Last evaluated: 2022-07-06. Review status: criteria provided, single submitter. Criteria: GeneDx Variant Classification Process June 2021. Collection method: clinical testing. Allele origin: germline. Affected: yes.
Comment: Not observed at significant frequency in large population cohorts (gnomAD); In silico analysis supports that this missense variant has a deleterious effect on protein structure/function; Has not been previously published as pathogenic or benign to our knowledge

NM_006514.4(SCN10A):c.1162C>G (p.Leu388Val)

Gene: SCN10A (sodium voltage-gated channel alpha subunit 10; minus strand). Cytogenetic location: 3p22.2.
Variant type: single nucleotide variant.
Coding change: c.1162C>G on transcript NM_006514.4 (MANE Select); coding-DNA position 1162, C replaced by G.
Protein change: p.Leu388Val; replaces leucine 388 with valine.
Molecular consequence: missense variant.
Genome position (GRCh38, 1-based): chr3:38,756,802, G>C on the plus strand (C>G on the coding strand, the complement: SCN10A is on the minus strand). VCF-style: chr3-38756802-G-C. GRCh37 (hg19) VCF-style: chr3-38798293-G-C.
Other names: c.1162C>G, p.Leu388Val (NM_001293306.2, NM_001293307.2); short protein forms L388V.
Identifiers: ClinVar variation 1810538 (VCV001810538.1), dbSNP rs2063811728, ClinGen allele CA352169835.
Genomic context (GRCh38, chr3:38,756,802, plus strand): 5'-TGGTTGCCTGGTTCTGCTCCTCATACGCCATGGTGACTACAGCCAAGATCAAGTTGACCA[G>C]GTAGAAAGATCCCAGGAAGATTACGAGCACAAAAAAGATCATATAGATTTTCCCAGAAGT-3'
Protein context (NP_006505.4, residues 378-398): VLVIFLGSFY[Leu388Val]VNLILAVVTM